The following is an entry in ClinVar:

NM_023110.3(FGFR1):c.1638C>A (p.Asn546Lys)

Gene: FGFR1 (fibroblast growth factor receptor 1; minus strand). Cytogenetic location: 8p11.23.
Variant type: single nucleotide variant.
Coding change: c.1638C>A on transcript NM_023110.3 (MANE Select); coding-DNA position 1638, C replaced by A.
Protein change: p.Asn546Lys; replaces asparagine 546 with lysine.
Molecular consequence: missense variant.
Genome position (GRCh38, 1-based): chr8:38,417,331, G>T on the plus strand (C>A on the coding strand, the complement: FGFR1 is on the minus strand). VCF-style: chr8-38417331-G-T. GRCh37 (hg19) VCF-style: chr8-38274849-G-T.
Other names: c.1638C>A (LRG_993t1); c.1632C>A, p.Asn544Lys (NM_001174063.2, NM_001174065.2, NM_001354367.2 and 1 more transcripts); c.1608C>A, p.Asn536Lys (NM_001174064.2); c.1371C>A, p.Asn457Lys (NM_001174066.2, NM_023105.3); c.1731C>A, p.Asn577Lys (NM_001174067.2); c.1359C>A, p.Asn453Lys (NM_001354368.2); c.1626C>A, p.Asn542Lys (NM_001354369.2); c.1365C>A, p.Asn455Lys (NM_001354370.2, NM_023106.3); short protein forms N546K, N536K, N542K, N544K, N453K, N457K, N577K, N455K.
Identifiers: ClinVar variation 224896 (VCV000224896.11), dbSNP rs779707422, ClinGen allele CA357830.
Genomic context (GRCh38, chr8:38,417,331, plus strand): 5'-GCTGGGCAGGGAAAGCCAGTCTGGCCGGCACCCACCATCCTGCGTGCAGGCCCCCAGCAG[G>T]TTGATGATATTCTTATGCTTCCCGATCATCTTCATCATCTCCATTTCTGAGATCAGGTCT-3'
Protein context (NP_075598.2, residues 536-556): KMIGKHKNII[Asn546Lys]LLGACTQDGP

ClinVar aggregate classification (germline): Pathogenic. Review status: criteria provided, multiple submitters, no conflicts (2 of 4 stars). 7 submissions from 7 submitters: Pathogenic (4). 3 of the submissions do not count toward it. Last evaluated 2024-05-24.
ClinVar aggregate classification (somatic clinical impact): Tier I - Strong. Review status: criteria provided, single submitter (1 of 4 stars). 7 submissions from 1 submitter. 1 of the submissions does not count toward it. Last evaluated 2025-06-16.
ClinVar aggregate classification (oncogenicity): Oncogenic (1 of 4 stars; one submission).

Conditions:
Encephalocraniocutaneous lipomatosis (ECCL). Identifiers: Orphanet 2396, MedGen C0406612, MONDO:0013074, OMIM 613001.
FGFR1-related disorder. Also called: FGFR1-related disorders; FGFR1-related condition. Identifiers: MedGen CN380097.
Rosette-forming glioneuronal tumor. Identifiers: Orphanet 251975, MedGen C4331262, MONDO:0016736, HP:0025171.
Diffuse midline glioma, H3 K27M-mutant. Identifiers: MedGen C4289688, MONDO:0957196.
Neuroblastoma (NB). Identifiers: Orphanet 635, MedGen C0027819, MeSH D009447, MONDO:0005072, HP:0003006.
Dysembryoplastic neuroepithelial tumor. Identifiers: Orphanet 251946, MedGen C1266177, MONDO:0005505, HP:0033703.
Embryonal rhabdomyosarcoma (ERMS). Also called: Botryoid rhabdomyosarcoma (type of ERMS); Spindle cell rhabdomyosarcomas (type of ERMS). Identifiers: Orphanet 99757, MedGen C0206656, MONDO:0009993, HP:0006743.
Primary intracranial sarcoma, DICER1-mutant. Identifiers: MedGen C5670660, MONDO:0858967.
Diffuse pediatric-type high-grade glioma, H3-wildtype and IDH-wildtype. Identifiers: MedGen C5669918, MONDO:0858939.
Neoplasm. Also called: tumor; Neoplasms; Neoplasm (disease). Identifiers: MedGen C0027651, MeSH D009369, MONDO:0005070, HP:0002664.

Submissions 1 to 8 of 15:

Institute for Genomic Medicine (IGM) Clinical Laboratory, Nationwide Children's Hospital
Classification: Tier I - Strong for Rosette-forming glioneuronal tumor. Assertion type: diagnostic. Clinical significance: supports diagnosis. Last evaluated: 2025-06-16. Review status: criteria provided, single submitter. Criteria: AMP/ASCO/CAP Guidelines, 2017. Collection method: clinical testing. Allele origin: somatic. Affected: yes.
Comment: Variant has Tier I (strong) clinical significance as a diagnostic inclusion criterion in rosette-forming glioneuronal tumor of fourth ventricule, based on the following evidence: 1) Documented in one or more cancer databases (e.g., St. Jude Pecan, COSMIC, CIViC, OncoKB). 2) Appears in one or more well-established professional guidelines (e.g., World Health Organization [WHO]; National Comprehensive Cancer Network [NCCN]) as providing diagnostic, prognostic, or therapeutic information. 3) Information in the literature supports potential biologic effect of variant (PMIDs: 19224897, 23817572, 14602678, 29533785). 4) Diagnostic for a specific tumor type/classification according to professional guidelines (Evidence Level A; PMIDs: 27626068, 31250151, 32859279, 34185076, 35018490).

Institute for Genomic Medicine (IGM) Clinical Laboratory, Nationwide Children's Hospital
Classification: Tier I - Strong for Diffuse midline glioma, H3 K27M-mutant. Assertion type: diagnostic. Clinical significance: supports diagnosis. Last evaluated: 2025-05-12. Review status: criteria provided, single submitter. Criteria: AMP/ASCO/CAP Guidelines, 2017. Collection method: clinical testing. Allele origin: somatic. Affected: yes.
Comment: Variant has Tier I (strong) clinical significance as a diagnostic inclusion criterion in diffuse midline glioma, H3 K27M-mutant, based on the following evidence: 1) Documented in one or more cancer databases (e.g., St. Jude Pecan, COSMIC, CIViC, OncoKB). 2) Appears in one or more well-established professional guidelines (e.g., World Health Organization [WHO]; National Comprehensive Cancer Network [NCCN]) as providing diagnostic, prognostic, or therapeutic information. 3) Information in the literature supports potential biologic effect of variant (PMID: 19224897). 4) Diagnostic for a specific tumor type/classification based on well-powered studies with expert-level consensus (Evidence Level B; PMIDs: 28966033, 31348837, 24880341, 37524847, 28912153, 25230881).

Center for Genomic Medicine, Rigshospitalet, Copenhagen University Hospital
Classification: Oncogenic for Neoplasm. Last evaluated: 2025-03-04. Review status: criteria provided, single submitter. Criteria: ClinGen/CGC/VICC Guidelines for Oncogenicity, 2022. Collection method: clinical testing. Allele origin: somatic. Affected: yes.

Institute for Genomic Medicine (IGM) Clinical Laboratory, Nationwide Children's Hospital
Classification: Tier II - Potential for Neuroblastoma. Assertion type: diagnostic. Clinical significance: supports diagnosis. Last evaluated: 2025-02-06. Review status: criteria provided, single submitter. Criteria: AMP/ASCO/CAP Guidelines, 2017. Collection method: clinical testing. Allele origin: somatic. Affected: yes. Not counted in ClinVar's aggregate classification.
Comment: Variant has Tier II (potential) clinical significance as a diagnostic inclusion criterion in neuroblastoma, based on the following evidence: 1) Documented in one or more cancer databases (e.g., St. Jude Pecan, COSMIC, CIViC, OncoKB). 2) Information in the literature supports potential biologic effect of variant (PMID: 19224897). 3) Diagnostic significance based on multiple small studies (Evidence Level C; PMIDs: 33056981, 23334666, 30523111, 26121087, 36973454).

Clinical Genomics Laboratory, Washington University in St. Louis
Classification: Pathogenic for Encephalocraniocutaneous lipomatosis. Last evaluated: 2024-05-24. Review status: criteria provided, single submitter. Criteria: Leon-Quintero et al. (Clin Genet. 2025). Collection method: clinical testing. Allele origin: somatic. Affected: yes.
Comment: An FGFR1 c.1638C>A (p.Asn546Lys) variant was identified at an allelic fraction consistent with somatic origin. This variant occurs at a mutational hotspot and has been reported in numerous individuals with encephalocraniocutaneous lipomatosis (Kupsik M et al., PMID: 23819449; Nowaczyk MJ et al., PMID: 10766980; Bennett JT et al., PMID: 26942290; Kordacka J et al., PMID: 31173478; Chacon-Camacho OF et al., PMID: 30891959; Liu J et al., PMID: 31856217). This variant is absent from the general population (gnomAD v.4.1.0), indicating it is not a common variant. It has been reported as a somatic pathogenic variant in the ClinVar database by two submitters (ClinVar ID: 224896) and has been identified in numerous cancer cases, mainly CNS tumors, in the cancer database COSMIC (COSV58329537). Computational predictors indicate that the variant is damaging, evidence that correlates with impact to FGFR1 function. In support of this prediction, functional studies show that over-expression of the FGFR1 p.Asn546Lys protein results in higher nuclear localization compared to wild-type protein, increased cellular invasion and cologenicity, and failure to respond to inhibitory treatments through activation of ERK, STAT3 and AKT pathways (Cimmino F et al., PMID: 35488346; Agelopoulos K et al., PMID: 26179511; Jones DT et al., PMID: 23817572; Ng PK et al., PMID: 29533785). Based on available information and an internally developed protocol informed by the ACMG/AMP guidelines for variant interpretation and gene-specific practices from the ClinGen Criteria Specification Registry (Leon-Quintero FZ et al., PMID: 39434542), the FGFR1 c.1638C>A (p.Asn546Lys) variant is classified as pathogenic.

Institute for Genomic Medicine (IGM) Clinical Laboratory, Nationwide Children's Hospital
Classification: Tier I - Strong for Diffuse pediatric-type high-grade glioma, H3-wildtype and IDH-wildtype. Assertion type: diagnostic. Clinical significance: supports diagnosis. Last evaluated: 2024-05-07. Review status: criteria provided, single submitter. Criteria: AMP/ASCO/CAP Guidelines, 2017. Collection method: clinical testing. Allele origin: somatic. Affected: yes.
Comment: Variant has Tier I (strong) clinical significance as a diagnostic inclusion criterion in diffuse pediatric-type high-grade glioma, H3-wildtype and IDH-wildtype, based on the following evidence: 1) Appears in one or more well-established professional guidelines (e.g., World Health Organization [WHO]; National Comprehensive Cancer Network [NCCN]) as providing diagnostic, prognostic, or therapeutic information. 2) Diagnostic for a specific tumor type/classification based on well-powered studies with expert-level consensus (Evidence Level B; PMIDs: 24705251, 29763623, 28912153, 289660). 3) Diagnostic significance based on multiple small studies (Evidence Level C; PMIDs: 24705251, 29763623, 28912153, 289660).

Institute for Genomic Medicine (IGM) Clinical Laboratory, Nationwide Children's Hospital
Classification: Tier I - Strong for Primary intracranial sarcoma, DICER1-mutant. Assertion type: diagnostic. Clinical significance: supports diagnosis. Last evaluated: 2023-09-01. Review status: criteria provided, single submitter. Criteria: AMP/ASCO/CAP Guidelines, 2017. Collection method: clinical testing. Allele origin: somatic. Affected: yes.
Comment: Variant has Tier I (strong) clinical significance as a diagnostic inclusion criterion in primary intracranial sarcoma, DICER1-mutant, based on the following evidence: 1) Documented in one or more cancer databases (e.g., St. Jude Pecan, COSMIC, CIViC, OncoKB). 2) Information in the literature supports potential biologic effect of variant (PMID: 19224897). 3) Diagnostic for a specific tumor type/classification based on well-powered studies with expert-level consensus (Evidence Level B; PMIDs: 29881993, 32291395, 36966138, 34674226).

Blueprint Genetics
Classification: Pathogenic for FGFR1-related disorders. Last evaluated: 2023-05-30. Review status: criteria provided, single submitter. Criteria: ACMG Guidelines, 2015. Collection method: clinical testing. Allele origin: germline. Affected: yes. Observed: 1 variant allele.